The following is an entry in ClinVar:

ClinVar aggregate classification (germline): Uncertain significance (1 of 4 stars; one submission).

Submission:

Labcorp Genetics (formerly Invitae), Labcorp
Classification: Uncertain significance. Last evaluated: 2021-08-31. Review status: criteria provided, single submitter. Criteria: Invitae Variant Classification Sherloc (09022015). Collection method: clinical testing. Allele origin: germline.
Comment: In summary, the available evidence is currently insufficient to determine the role of this variant in disease. Therefore, it has been classified as a Variant of Uncertain Significance. Algorithms developed to predict the effect of missense changes on protein structure and function are either unavailable or do not agree on the potential impact of this missense change (SIFT: "Deleterious"; PolyPhen-2: "Benign"; Align-GVGD: "Class C0"). This variant has not been reported in the literature in individuals affected with SLC24A1-related conditions. This variant is not present in population databases (ExAC no frequency). This sequence change replaces leucine with arginine at codon 25 of the SLC24A1 protein (p.Leu25Arg). The leucine residue is weakly conserved and there is a moderate physicochemical difference between leucine and arginine.

NM_004727.3(SLC24A1):c.74T>G (p.Leu25Arg)

Gene: SLC24A1 (solute carrier family 24 member 1; plus strand). Cytogenetic location: 15q22.31.
Variant type: single nucleotide variant.
Coding change: c.74T>G on transcript NM_004727.3 (MANE Select); coding-DNA position 74, T replaced by G.
Protein change: p.Leu25Arg; replaces leucine 25 with arginine.
Molecular consequence: missense variant.
Genome position (GRCh38, 1-based): chr15:65,624,154, T>G. VCF-style: chr15-65624154-T-G. GRCh37 (hg19) VCF-style: chr15-65916492-T-G.
Other names: c.74T>G, p.Leu25Arg (NM_001301031.1, NM_001301032.1, NM_001301033.2); short protein forms L25R.
Identifiers: ClinVar variation 1497265 (VCV001497265.6), dbSNP rs2074415332, ClinGen allele CA392912350.